The following is an entry in ClinVar:

NM_002361.4(MAG):c.760G>A (p.Gly254Ser)

Gene: MAG (myelin associated glycoprotein; plus strand). Cytogenetic location: 19q13.12.
Variant type: single nucleotide variant.
Coding change: c.760G>A on transcript NM_002361.4 (MANE Select); coding-DNA position 760, G replaced by A.
Protein change: p.Gly254Ser; replaces glycine 254 with serine.
Molecular consequence: missense variant.
Genome position (GRCh38, 1-based): chr19:35,300,194, G>A. VCF-style: chr19-35300194-G-A. GRCh37 (hg19) VCF-style: chr19-35791097-G-A.
Other names: c.760G>A (NM_002361.3); c.685G>A, p.Gly229Ser (NM_001199216.2); c.760G>A, p.Gly254Ser (NM_080600.3); short protein forms G229S, G254S.
Identifiers: ClinVar variation 2043173 (VCV002043173.4), dbSNP rs963801002, ClinGen allele CA307754581.

ClinVar aggregate classification (germline): Uncertain significance. Review status: criteria provided, multiple submitters, no conflicts (2 of 4 stars). 2 submissions from 2 submitters: Uncertain significance (2). Last evaluated 2025-08-03.

Conditions:
Hereditary spastic paraplegia 75. Also called: Spastic paraplegia 75, autosomal recessive. Identifiers: Orphanet 459056, MedGen C4225250, MONDO:0014729, OMIM 616680.
Inborn genetic diseases. Identifiers: MedGen C0950123, MeSH D030342.

Allele frequency attached by ClinVar (database versions not stated): gnomAD exomes below 0.00001; gnomAD 0.00002; TOPMed 0.00003.
gnomAD v4.1: 5 of 1,567,928 alleles (0.00032%); highest among the groups gnomAD compares: African/African-American, 0.0068%; no homozygotes.

Submissions (2):

Ambry Genetics
Classification: Uncertain significance for Inborn genetic diseases. Last evaluated: 2025-08-03. Review status: criteria provided, single submitter. Criteria: Ambry Variant Classification Scheme 2023. Collection method: clinical testing. Allele origin: germline.

Labcorp Genetics (formerly Invitae), Labcorp
Classification: Uncertain significance for Hereditary spastic paraplegia 75. Last evaluated: 2025-01-06. Review status: criteria provided, single submitter. Criteria: Invitae Variant Classification Sherloc (09022015). Collection method: clinical testing. Allele origin: germline.
Comment: This sequence change replaces glycine, which is neutral and non-polar, with serine, which is neutral and polar, at codon 254 of the MAG protein (p.Gly254Ser). The frequency data for this variant in the population databases is considered unreliable, as metrics indicate poor data quality at this position in the gnomAD database. This variant has not been reported in the literature in individuals affected with MAG-related conditions. ClinVar contains an entry for this variant (Variation ID: 2043173). Invitae Evidence Modeling of protein sequence and biophysical properties (such as structural, functional, and spatial information, amino acid conservation, physicochemical variation, residue mobility, and thermodynamic stability) has been performed for this missense variant. However, the output from this modeling did not meet the statistical confidence thresholds required to predict the impact of this variant on MAG protein function. In summary, the available evidence is currently insufficient to determine the role of this variant in disease. Therefore, it has been classified as a Variant of Uncertain Significance.